The following is an entry in ClinVar:

NM_001110556.2(FLNA):c.6469G>T (p.Gly2157Cys)

Gene: FLNA (filamin A; minus strand). Cytogenetic location: Xq28.
Variant type: single nucleotide variant.
Coding change: c.6469G>T on transcript NM_001110556.2 (MANE Select); coding-DNA position 6469, G replaced by T.
Protein change: p.Gly2157Cys; replaces glycine 2157 with cysteine.
Molecular consequence: missense variant.
Genome position (GRCh38, 1-based): chrX:154,352,586, C>A on the plus strand (G>T on the coding strand, the complement: FLNA is on the minus strand). VCF-style: chrX-154352586-C-A. GRCh37 (hg19) VCF-style: chrX-153580954-C-A.
Other names: c.6445G>T, p.Gly2149Cys (NM_001456.4); short protein forms G2149C, G2157C.
Identifiers: ClinVar variation 3906387 (VCV003906387.2).

ClinVar aggregate classification (germline): Uncertain significance (1 of 4 stars; one submission).

Submission:

GeneDx
Classification: Uncertain significance. Last evaluated: 2025-11-26. Review status: criteria provided, single submitter. Criteria: GeneDx Variant Classification Process June 2021. Collection method: clinical testing. Allele origin: germline.
Comment: Not observed at significant frequency in large population cohorts (gnomAD); In silico analysis supports that this missense variant has a deleterious effect on protein structure/function; In silico analysis is inconclusive as to whether the variant alters gene splicing. In the absence of RNA/functional studies, the actual effect of this sequence change is unknown.; Has not been previously published as pathogenic or benign to our knowledge